The following is an entry in ClinVar:

ClinVar aggregate classification (germline): Uncertain significance (1 of 4 stars; one submission).

gnomAD v4.1: 17 of 1,600,844 alleles (0.0011%); highest among the groups gnomAD compares: South Asian, 0.0022%; no homozygotes.

Submission:

Labcorp Genetics (formerly Invitae), Labcorp
Classification: Uncertain significance. Last evaluated: 2025-07-14. Review status: criteria provided, single submitter. Criteria: Invitae Variant Classification Sherloc (09022015). Collection method: clinical testing. Allele origin: germline.
Comment: This sequence change replaces glycine, which is neutral and non-polar, with cysteine, which is neutral and slightly polar, at codon 10 of the B4GALT1 protein (p.Gly10Cys). The frequency data for this variant in the population databases is considered unreliable, as metrics indicate poor data quality at this position in the gnomAD database. This variant has not been reported in the literature in individuals affected with B4GALT1-related conditions. ClinVar contains an entry for this variant (Variation ID: 1718334). An algorithm developed to predict the effect of missense changes on protein structure and function (PolyPhen-2) suggests that this variant is likely to be disruptive. In summary, the available evidence is currently insufficient to determine the role of this variant in disease. Therefore, it has been classified as a Variant of Uncertain Significance.

NM_001497.4(B4GALT1):c.28G>T (p.Gly10Cys)

Genes: B4GALT1 (beta-1,4-galactosyltransferase 1; minus strand), B4GALT1-AS1 (B4GALT1 antisense RNA 1; plus strand). Cytogenetic location: 9p21.1.
Variant type: single nucleotide variant.
Coding change: c.28G>T on transcript NM_001497.4 (MANE Select); coding-DNA position 28, G replaced by T.
Protein change: p.Gly10Cys; replaces glycine 10 with cysteine.
Molecular consequence: missense variant. On other transcripts: 5 prime UTR variant (1).
Genome position (GRCh38, 1-based): chr9:33,167,142, C>A on the plus strand (G>T on the coding strand, the complement: B4GALT1 is on the minus strand). VCF-style: chr9-33167142-C-A. GRCh37 (hg19) VCF-style: chr9-33167140-C-A.
Other names: c.-12G>T (NM_001378495.1); c.28G>T, p.Gly10Cys (NM_001378496.1, NM_001378497.1); short protein forms G10C.
Identifiers: ClinVar variation 1718334 (VCV001718334.5), dbSNP rs750624082, ClinGen allele CA373188028.